The following is an entry in ClinVar:

NM_000069.3(CACNA1S):c.2317A>G (p.Ile773Val)

Gene: CACNA1S (calcium voltage-gated channel subunit alpha1 S; minus strand). Cytogenetic location: 1q32.1.
Variant type: single nucleotide variant.
Coding change: c.2317A>G on transcript NM_000069.3 (MANE Select); coding-DNA position 2317, A replaced by G.
Protein change: p.Ile773Val; replaces isoleucine 773 with valine.
Molecular consequence: missense variant.
Genome position (GRCh38, 1-based): chr1:201,070,315, T>C on the plus strand (A>G on the coding strand, the complement: CACNA1S is on the minus strand). VCF-style: chr1-201070315-T-C. GRCh37 (hg19) VCF-style: chr1-201039443-T-C.
Other names: c.2317A>G (NM_000069.2); short protein forms I773V.
Identifiers: ClinVar variation 2043187 (VCV002043187.8), dbSNP rs566562378, ClinGen allele CA078925.

ClinVar aggregate classification (germline): Conflicting classifications of pathogenicity. Review status: criteria provided, conflicting classifications (1 of 4 stars). 5 submissions from 5 submitters: Uncertain significance (1); Benign (1); Likely benign (2). 1 of the submissions does not count toward it. Last evaluated 2024-05-09.

Conditions:
Malignant hyperthermia, susceptibility to, 5 (MHS5). Also called: CACNA1S-Related Malignant Hyperthermia Susceptibility. Identifiers: Orphanet 423, MedGen C1866077, MONDO:0011163, OMIM 601887.
Congenital myopathy 18. Also called: DIHYDROPYRIDINE RECEPTOR CONGENITAL MYOPATHY; DHPR CONGENITAL MYOPATHY; Myopathy, congenital, due to dihydropyridine receptor defect. Identifiers: MedGen C5830283, MONDO:0859514, OMIM 620246.
Hypokalemic periodic paralysis, type 1. Also called: Hypokalemic Periodic Paralysis Type 1 (AD); HypoPP. Identifiers: Orphanet 681, MedGen C3714580, MONDO:0042979, OMIM 170400.
Thyrotoxic periodic paralysis, susceptibility to, 1 (TTPP1). Identifiers: Orphanet 79102, MedGen C2749982, MONDO:0008570, OMIM 188580.
CACNA1S-related disorder. Also called: CACNA1S-related condition.

Allele frequency attached by ClinVar (database versions not stated): ExAC 0.00002; gnomAD exomes 0.00002; 1000 Genomes Project 30x 0.00016; 1000 Genomes Project 0.00020.
gnomAD v4.1: 26 of 1,614,090 alleles (0.0016%); highest among the groups gnomAD compares: South Asian, 0.024%; no homozygotes.

Submissions (5):

Fulgent Genetics
Classification: Uncertain significance for Hypokalemic periodic paralysis, type 1; Thyrotoxic periodic paralysis, susceptibility to, 1; Malignant hyperthermia, susceptibility to, 5; Congenital myopathy 18. Last evaluated: 2024-05-09. Review status: criteria provided, single submitter. Criteria: ACMG Guidelines, 2015. Collection method: clinical testing. Allele origin: germline.

Labcorp Genetics (formerly Invitae), Labcorp
Classification: Benign for Hypokalemic periodic paralysis, type 1; Malignant hyperthermia, susceptibility to, 5. Last evaluated: 2023-08-07. Review status: criteria provided, single submitter. Criteria: Invitae Variant Classification Sherloc (09022015). Collection method: clinical testing. Allele origin: germline.

Color Diagnostics, LLC DBA Color Health
Classification: Likely benign for Malignant hyperthermia, susceptibility to, 5. Last evaluated: 2023-01-27. Review status: criteria provided, single submitter. Criteria: ACMG Guidelines, 2015. Collection method: clinical testing. Allele origin: germline.

Blueprint Genetics
Classification: Likely benign. Last evaluated: 2020-03-31. Review status: criteria provided, single submitter. Criteria: ACMG Guidelines, 2015. Collection method: clinical testing. Allele origin: germline.

PreventionGenetics, part of Exact Sciences
Classification: Uncertain significance for CACNA1S-related condition. Last evaluated: 2024-05-02. Review status: no assertion criteria provided. Collection method: clinical testing. Allele origin: germline. Not counted in ClinVar's aggregate classification.
Comment: The CACNA1S c.2317A>G variant is predicted to result in the amino acid substitution p.Ile773Val. To our knowledge, this variant has not been reported in the literature. This variant is reported in 0.033% of alleles in individuals of South Asian descent in gnomAD. At this time, the clinical significance of this variant is uncertain due to the absence of conclusive functional and genetic evidence.